The following is an entry in ClinVar:

ClinVar aggregate classification (germline): Pathogenic. Review status: criteria provided, multiple submitters, no conflicts (2 of 4 stars). 2 submissions from 2 submitters: Pathogenic (2). Last evaluated 2025-05-02.

Conditions:
CHARGE syndrome (CHARGE). Also called: Hittner Hirsch Kreh syndrome; CHARGE ASSOCIATION--COLOBOMA, HEART ANOMALY, CHOANAL ATRESIA, RETARDATION, GENITAL AND EAR ANOMALIES; Coloboma, heart anomaly, choanal atresia, retardation, genital and ear anomalies; CHARGE association; Hall-Hittner syndrome. Identifiers: Orphanet 138, MedGen C0265354, MONDO:0008965.
CHD7-related CHARGE syndrome. Identifiers: MedGen CN380413, MONDO:1010178, OMIM 214800.

Submissions (2):

Variantyx, Inc.
Classification: Pathogenic for CHD7-related CHARGE syndrome. Last evaluated: 2025-05-02. Review status: criteria provided, single submitter. Criteria: Variantyx Assertion Criteria 2022. Collection method: clinical testing. Allele origin: germline. Inheritance: Autosomal recessive inheritance. Affected: yes.
Comment: This is a frameshift variant in the CHD7 gene (OMIM: 608892). Pathogenic variants in this gene have been associated with autosomal dominant CHARGE syndrome. This variant introduces a premature termination codon in exon 17 out of 38 and is expected to result in loss of function, which is a known disease mechanism for CHD7 in this disorder (PMID: 20301296, 22461308, 25077900) (PVS1). This variant is absent from control populations (PM2). Based on the current evidence, this variant is classified as pathogenic for autosomal dominant CHARGE syndrome.

Labcorp Genetics (formerly Invitae), Labcorp
Classification: Pathogenic for CHARGE syndrome. Last evaluated: 2022-11-29. Review status: criteria provided, single submitter. Criteria: Invitae Variant Classification Sherloc (09022015). Collection method: clinical testing. Allele origin: germline.
Comment: This sequence change creates a premature translational stop signal (p.Ser1313Profs*28) in the CHD7 gene. It is expected to result in an absent or disrupted protein product. Loss-of-function variants in CHD7 are known to be pathogenic (PMID: 22461308, 25077900). This variant is not present in population databases (gnomAD no frequency). This premature translational stop signal has been observed in individual(s) with CHARGE syndrome (PMID: 22461308). In at least one individual the variant was observed to be de novo. ClinVar contains an entry for this variant (Variation ID: 459547). For these reasons, this variant has been classified as Pathogenic.

Literature cited by the submitters: PubMed 22461308 (cited by Variantyx, Inc. and Labcorp Genetics (formerly Invitae), Labcorp); PubMed 25077900 (cited by Variantyx, Inc. and Labcorp Genetics (formerly Invitae), Labcorp); PubMed 21158681 (cited by Variantyx, Inc.); PubMed 16400610 (cited by Variantyx, Inc.).

NM_017780.4(CHD7):c.3937del (p.Ser1313fs)

Gene: CHD7 (chromodomain helicase DNA binding protein 7; plus strand). Cytogenetic location: 8q12.2.
Variant type: Deletion.
Coding change: c.3937del on transcript NM_017780.4 (MANE Select); coding-DNA position 3937, one base deleted (T; older notation c.3937delT).
Protein change: p.Ser1313fs; shifts the reading frame from serine 1313.
Molecular consequence: frameshift variant. On other transcripts: intron variant (1).
Genome position (GRCh38, 1-based): chr8:60,836,231, T deleted; the last of 4 consecutive T bases (chr8:60,836,228-60,836,231); deleting any one gives the same sequence. VCF-style (leftmost placement, unchanged base first): chr8-60836227-CT-C. GRCh37 (hg19) VCF-style: chr8-61748786-CT-C.
Other names: c.1717-25998del (NM_001316690.1); short protein forms S1313fs.
Identifiers: ClinVar variation 459547 (VCV000459547.8), dbSNP rs1554600538, ClinGen allele CA658657771.
Genomic context (GRCh38, chr8:60,836,227, plus strand): 5'-GCTAGTGCTGATTGACAAGCTGCTGCCAAAACTGAAGGCTGGTGGCCACAGGGTGCTTAT[CT>C]TTTCCCAGATGGTGCGCTGCTTGGACATACTGGAAGACTACCTCATTCAAAGACGGTGAG-3'